The following is an entry in ClinVar:

NM_003001.5(SDHC):c.363C>T (p.Val121=)

Gene: SDHC (succinate dehydrogenase complex subunit C; plus strand). Cytogenetic location: 1q23.3.
Variant type: single nucleotide variant.
Coding change: c.363C>T on transcript NM_003001.5 (MANE Select); coding-DNA position 363, C replaced by T.
Protein change: p.Val121=; no amino-acid change (valine 121 retained).
Molecular consequence: synonymous variant. On other transcripts: non-coding transcript variant (1), intron variant (3).
Genome position (GRCh38, 1-based): chr1:161,356,798, C>T. VCF-style: chr1-161356798-C-T. GRCh37 (hg19) VCF-style: chr1-161326588-C-T.
Other names: c.261C>T, p.Val87= (NM_001035512.3); c.204C>T, p.Val68= (NM_001035513.3); c.483C>T, p.Val161= (NM_001407115.1); c.306C>T, p.Val102= (NM_001407116.1); c.300C>T, p.Val100= (NM_001407117.1); c.255C>T, p.Val85= (NM_001407118.1); c.252C>T, p.Val84= (NM_001407119.1, NM_001407120.1); c.242-5531C>T (NM_001035511.3); and 2 more.
Identifiers: ClinVar variation 1619387 (VCV001619387.13), dbSNP rs1273832397, ClinGen allele CA421501084.

ClinVar aggregate classification (germline): Conflicting classifications of pathogenicity. Review status: criteria provided, conflicting classifications (1 of 4 stars). 4 submissions from 4 submitters: Uncertain significance (1); Benign (1); Likely benign (2). Last evaluated 2025-03-17.

Conditions:
Pheochromocytoma/paraganglioma syndrome 3. Also called: GLOMUS TUMORS, FAMILIAL, 3; Paragangliomas 3; SDHC-Related Hereditary Paraganglioma-Pheochromocytoma Syndrome (Paragangliomas 3); SDHC-Related Hereditary Paraganglioma-Pheochromocytoma Syndrome. Identifiers: Orphanet 29072, MedGen C1854336, MONDO:0011544, OMIM 605373.
Gastrointestinal stromal tumor. Also called: Gastrointestinal stromal tumor, somatic; Gastrointestinal stroma tumor. Identifiers: Orphanet 44890, MedGen C0238198, MeSH D046152, MONDO:0011719, OMIM 606764, HP:0100723.
Hereditary cancer-predisposing syndrome. Also called: Neoplastic Syndromes, Hereditary; Tumor predisposition; Hereditary Cancer Syndrome; Hereditary neoplastic syndrome. Identifiers: Orphanet 140162, MedGen C0027672, MeSH D009386, MONDO:0015356.

Allele frequency attached by ClinVar (database versions not stated): TOPMed below 0.00001.

Submissions (4):

Myriad Genetics, Inc.
Classification: Benign for Pheochromocytoma/paraganglioma syndrome 3. Last evaluated: 2025-03-17. Review status: criteria provided, single submitter. Criteria: Myriad Autosomal Dominant, Autosomal Recessive and X-Linked Classification Criteria (2023). Collection method: clinical testing. Allele origin: unknown.
Comment: This variant is considered benign. This variant is a silent/synonymous amino acid change and it is not expected to impact splicing.

Labcorp Genetics (formerly Invitae), Labcorp
Classification: Likely benign for Pheochromocytoma/paraganglioma syndrome 3; Gastrointestinal stromal tumor. Last evaluated: 2024-03-12. Review status: criteria provided, single submitter. Criteria: Invitae Variant Classification Sherloc (09022015). Collection method: clinical testing. Allele origin: germline.

Quest Diagnostics Nichols Institute San Juan Capistrano
Classification: Uncertain significance. Last evaluated: 2023-08-04. Review status: criteria provided, single submitter. Criteria: Quest Diagnostics criteria. Collection method: clinical testing. Allele origin: unknown.
Comment: To the best of our knowledge, this variant has not been reported in the published literature. It also has not been reported in large, multi-ethnic general populations (Genome Aggregation Database). Analysis of this variant using software algorithms for the prediction of the effect of nucleotide changes on splicing yielded predictions that this variant does not affect SDHC mRNA splicing . Based on the available information, we are unable to determine the clinical significance of this variant.

Ambry Genetics
Classification: Likely benign for Hereditary cancer-predisposing syndrome. Last evaluated: 2020-10-26. Review status: criteria provided, single submitter. Criteria: Ambry Variant Classification Scheme 2023. Collection method: clinical testing. Allele origin: germline.